The following is an entry in ClinVar:

ClinVar aggregate classification (germline): Uncertain significance (1 of 4 stars; one submission).

gnomAD v4.1: 1 of 1,614,068 alleles (0.000062%); highest among the groups gnomAD compares: Non-Finnish European, 0.000085%; no homozygotes.

Submission:

CeGaT Center for Human Genetics Tuebingen
Classification: Uncertain significance. Last evaluated: 2025-06-01. Review status: criteria provided, single submitter. Criteria: CeGaT Center For Human Genetics Tuebingen Variant Classification Criteria Version 2. Collection method: clinical testing. Allele origin: germline. Affected: yes. Observed: 1 variant allele.
Comment: MACF1: PM2

NM_001394062.1(MACF1):c.19978G>T (p.Ala6660Ser)

Gene: MACF1 (microtubule actin crosslinking factor 1; plus strand). Cytogenetic location: 1p34.3.
Variant type: single nucleotide variant.
Coding change: c.19978G>T on transcript NM_001394062.1 (MANE Select); coding-DNA position 19978, G replaced by T.
Protein change: p.Ala6660Ser; replaces alanine 6660 with serine.
Molecular consequence: missense variant.
Genome position (GRCh38, 1-based): chr1:39,448,042, G>T. VCF-style: chr1-39448042-G-T. GRCh37 (hg19) VCF-style: chr1-39913714-G-T.
Other names: c.8056G>T, p.Ala2686Ser (NM_001397473.1); c.13801G>T, p.Ala4601Ser (NM_012090.5); short protein forms A2686S, A4601S, A6660S.
Identifiers: ClinVar variation 3906006 (VCV003906006.10).